The following is an entry in ClinVar:

NM_001211.6(BUB1B):c.2797G>T (p.Val933Leu)

Genes: BUB1B (BUB1 mitotic checkpoint serine/threonine kinase B; plus strand), BUB1B-PAK6 (BUB1B-PAK6 readthrough; plus strand). Cytogenetic location: 15q15.1.
Variant type: single nucleotide variant.
Coding change: c.2797G>T on transcript NM_001211.6 (MANE Select); coding-DNA position 2797, G replaced by T.
Protein change: p.Val933Leu; replaces valine 933 with leucine.
Molecular consequence: missense variant. On other transcripts: 5 prime UTR variant (2).
Genome position (GRCh38, 1-based): chr15:40,217,614, G>T. VCF-style: chr15-40217614-G-T. GRCh37 (hg19) VCF-style: chr15-40509815-G-T.
Other names: c.-254G>T (NM_001128628.3); c.-171G>T (NM_001128629.3); short protein forms V933L.
Identifiers: ClinVar variation 3262198 (VCV003262198.1).
Genomic context (GRCh38, chr15:40,217,614, plus strand): 5'-TCCTACAGTGTTGACCTTAGGGTGCAGCTGGATGTTTTTACCCTCAGCGGCTTTCGGACT[G>T]TACAGATCCTGGAAGGACAAAAGATCCTGGCTAACTGTTCTTCTCCCTACCAGGTAAGTG-3'
Protein context (NP_001202.5, residues 923-943): DVFTLSGFRT[Val933Leu]QILEGQKILA

ClinVar aggregate classification (germline): Uncertain significance (1 of 4 stars; one submission).

Conditions:
Inborn genetic diseases. Identifiers: MedGen C0950123, MeSH D030342.

gnomAD v4.1: 1 of 1,614,124 alleles (0.000062%); highest among the groups gnomAD compares: Admixed American, 0.0017%; no homozygotes.

Submission:

Ambry Genetics
Classification: Uncertain significance for Inborn genetic diseases. Last evaluated: 2024-06-24. Review status: criteria provided, single submitter. Criteria: Ambry Variant Classification Scheme 2023. Collection method: clinical testing. Allele origin: germline.
Comment: The p.V933L variant (also known as c.2797G>T), located in coding exon 21 of the BUB1B gene, results from a G to T substitution at nucleotide position 2797. The valine at codon 933 is replaced by leucine, an amino acid with highly similar properties. This amino acid position is conserved. In addition, this alteration is predicted to be tolerated by in silico analysis. Based on the available evidence, the clinical significance of this variant remains unclear.